The following is an entry in ClinVar:

ClinVar aggregate classification (germline): Uncertain significance (1 of 4 stars; one submission).

Submission:

Labcorp Genetics (formerly Invitae), Labcorp
Classification: Uncertain significance. Last evaluated: 2025-10-16. Review status: criteria provided, single submitter. Criteria: Invitae Variant Classification Sherloc (09022015). Collection method: clinical testing. Allele origin: germline.
Comment: This sequence change replaces leucine, which is neutral and non-polar, with valine, which is neutral and non-polar, at codon 460 of the POLD2 protein (p.Leu460Val). This variant is not present in population databases (gnomAD no frequency). This variant has not been reported in the literature in individuals affected with POLD2-related conditions. Experimental studies and prediction algorithms are not available or were not evaluated, and the functional significance of this variant is currently unknown. In summary, the available evidence is currently insufficient to determine the role of this variant in disease. Therefore, it has been classified as a Variant of Uncertain Significance.

NM_006230.4(POLD2):c.1273T>G (p.Leu425Val)

Gene: POLD2 (DNA polymerase delta 2, accessory subunit; minus strand). Cytogenetic location: 7p13.
Variant type: single nucleotide variant.
Coding change: c.1273T>G on transcript NM_006230.4 (MANE Select); coding-DNA position 1273, T replaced by G.
Protein change: p.Leu425Val; replaces leucine 425 with valine.
Molecular consequence: missense variant.
Genome position (GRCh38, 1-based): chr7:44,114,922, A>C on the plus strand (T>G on the coding strand, the complement: POLD2 is on the minus strand). VCF-style: chr7-44114922-A-C. GRCh37 (hg19) VCF-style: chr7-44154521-A-C.
Other names: c.1273T>G, p.Leu425Val (NM_001127218.3, NM_001256879.2); short protein forms L425V.
Identifiers: ClinVar variation 4767468 (VCV004767468.1).
Genomic context (GRCh38, chr7:44,114,922, plus strand): 5'-GGCTGCGCAGGTTCACAAGGCAGGCGGTCTGCGTGGCACTGAAGTCAGGGACAGTCACCA[A>C]CAGCACTGTCTGGTCCTCAGGACCTGCAAAGAAGTCACATAGGACCCACTGTAGGTTCCA-3'
Protein context (NP_006221.3, residues 415-435): IRGPEDQTVL[Leu425Val]VTVPDFSATQ